The following is an entry in ClinVar:

NM_002890.3(RASA1):c.1888G>C (p.Ala630Pro)

Genes: CCNH (cyclin H; minus strand), RASA1 (RAS p21 protein activator 1; plus strand). Cytogenetic location: 5q14.3.
Variant type: single nucleotide variant.
Coding change: c.1888G>C on transcript NM_002890.3 (MANE Select); coding-DNA position 1888, G replaced by C.
Protein change: p.Ala630Pro; replaces alanine 630 with proline.
Molecular consequence: missense variant. On other transcripts: intron variant (1).
Genome position (GRCh38, 1-based): chr5:87,374,274, G>C. VCF-style: chr5-87374274-G-C. GRCh37 (hg19) VCF-style: chr5-86670091-G-C.
Other names: c.1357G>C, p.Ala453Pro (NM_022650.3); c.933+20770C>G (NM_001364075.2); short protein forms A453P, A630P.
Identifiers: ClinVar variation 642415 (VCV000642415.9), dbSNP rs1580380538, ClinGen allele CA360374924.

ClinVar aggregate classification (germline): Uncertain significance (1 of 4 stars; one submission).

Conditions:
Capillary malformation-arteriovenous malformation syndrome. Also called: Capillary malformation-arteriovenous malformation. Identifiers: Orphanet 137667, MedGen C1842180, MONDO:0012016.

Allele frequency attached by ClinVar (database versions not stated): TOPMed below 0.00001.

Submission:

Labcorp Genetics (formerly Invitae), Labcorp
Classification: Uncertain significance for Capillary malformation-arteriovenous malformation syndrome. Last evaluated: 2018-08-29. Review status: criteria provided, single submitter. Criteria: Invitae Variant Classification Sherloc (09022015). Collection method: clinical testing. Allele origin: germline.
Comment: This sequence change replaces alanine with proline at codon 630 of the RASA1 protein (p.Ala630Pro). The alanine residue is moderately conserved and there is a small physicochemical difference between alanine and proline. This variant is not present in population databases (ExAC no frequency). This variant has not been reported in the literature in individuals with RASA1-related disease. Algorithms developed to predict the effect of missense changes on protein structure and function (SIFT, PolyPhen-2, Align-GVGD) all suggest that this variant is likely to be tolerated, but these predictions have not been confirmed by published functional studies and their clinical significance is uncertain. In summary, the available evidence is currently insufficient to determine the role of this variant in disease. Therefore, it has been classified as a Variant of Uncertain Significance.